The following is an entry in ClinVar:

ClinVar aggregate classification (germline): Uncertain significance. Review status: criteria provided, multiple submitters, no conflicts (2 of 4 stars). 2 submissions from 2 submitters: Uncertain significance (2). Last evaluated 2025-08-03.

Conditions:
Inborn genetic diseases. Identifiers: MedGen C0950123, MeSH D030342.

Allele frequency attached by ClinVar (database versions not stated): gnomAD exomes below 0.00001; TOPMed 0.00001; gnomAD 0.00003.

Submissions (2):

Labcorp Genetics (formerly Invitae), Labcorp
Classification: Uncertain significance. Last evaluated: 2025-08-03. Review status: criteria provided, single submitter. Criteria: Invitae Variant Classification Sherloc (09022015). Collection method: clinical testing. Allele origin: germline.
Comment: This sequence change replaces alanine, which is neutral and non-polar, with threonine, which is neutral and polar, at codon 322 of the PRDM13 protein (p.Ala322Thr). This variant is not present in population databases (gnomAD no frequency). This variant has not been reported in the literature in individuals affected with PRDM13-related conditions. ClinVar contains an entry for this variant (Variation ID: 1446828). An algorithm developed to predict the effect of missense changes on protein structure and function outputs the following: PolyPhen-2: "Benign". The threonine amino acid residue is found in multiple mammalian species, which suggests that this missense change does not adversely affect protein function. In summary, the available evidence is currently insufficient to determine the role of this variant in disease. Therefore, it has been classified as a Variant of Uncertain Significance.

Ambry Genetics
Classification: Uncertain significance for Inborn genetic diseases. Last evaluated: 2024-06-26. Review status: criteria provided, single submitter. Criteria: Ambry Variant Classification Scheme 2023. Collection method: clinical testing. Allele origin: germline.

NM_021620.4(PRDM13):c.964G>A (p.Ala322Thr)

Genes: PRDM13 (PR/SET domain 13; plus strand), LOC129996881 (ATAC-STARR-seq lymphoblastoid silent region 17422; plus strand). Cytogenetic location: 6q16.2.
Variant type: single nucleotide variant.
Coding change: c.964G>A on transcript NM_021620.4 (MANE Select); coding-DNA position 964, G replaced by A.
Protein change: p.Ala322Thr; replaces alanine 322 with threonine.
Molecular consequence: missense variant.
Genome position (GRCh38, 1-based): chr6:99,613,599, G>A. VCF-style: chr6-99613599-G-A. GRCh37 (hg19) VCF-style: chr6-100061475-G-A.
Other names: c.964G>A (NM_021620.3); short protein forms A322T.
Identifiers: ClinVar variation 1446828 (VCV001446828.9), dbSNP rs769604387, ClinGen allele CA3936306.
Genomic context (GRCh38, chr6:99,613,599, plus strand): 5'-AGGGCGGCGGCGGCCGCTCACGGCGACCCCTACCGGGAGGAGAGCAGCAGCAAGCAAGGA[G>A]CCGGCCTCGCTTTGGGCAGGCTGCTGGGCGGGGGCCGGGCGTGCGGGCGCCCCGGGAGCG-3'
Protein context (NP_067633.2, residues 312-332): YREESSSKQG[Ala322Thr]GLALGRLLGG